The following is an entry in ClinVar:

ClinVar aggregate classification (germline): Likely benign (1 of 4 stars; one submission).

Allele frequency attached by ClinVar (database versions not stated): gnomAD exomes below 0.00001.
gnomAD v4.1: 1 of 1,596,324 alleles (0.000063%); highest among the groups gnomAD compares: East Asian, 0.0023%; no homozygotes.

Submission:

GeneDx
Classification: Likely benign. Last evaluated: 2018-05-23. Review status: criteria provided, single submitter. Criteria: GeneDx Variant Classification (06012015). Collection method: clinical testing. Allele origin: germline. Affected: yes.
Comment: This variant is considered likely benign or benign based on one or more of the following criteria: it is a conservative change, it occurs at a poorly conserved position in the protein, it is predicted to be benign by multiple in silico algorithms, and/or has population frequency not consistent with disease.

NM_001267550.2(TTN):c.26831T>C (p.Val8944Ala)

Gene: TTN (titin; minus strand). Cytogenetic location: 2q31.2.
Variant type: single nucleotide variant.
Coding change: c.26831T>C on transcript NM_001267550.2 (MANE Select); coding-DNA position 26831, T replaced by C.
Protein change: p.Val8944Ala; replaces valine 8944 with alanine.
Molecular consequence: missense variant. On other transcripts: intron variant (3).
Genome position (GRCh38, 1-based): chr2:178,713,303, A>G on the plus strand (T>C on the coding strand, the complement: TTN is on the minus strand). VCF-style: chr2-178713303-A-G. GRCh37 (hg19) VCF-style: chr2-179578030-A-G.
Other names: c.25880T>C, p.Val8627Ala (NM_001256850.1); c.23099T>C, p.Val7700Ala (NM_133378.4); c.13282+24779T>C (NM_003319.4); c.13858+24779T>C (NM_133437.4); c.13657+24779T>C (NM_133432.3); short protein forms V7700A, V8627A, V8944A.
Identifiers: ClinVar variation 668578 (VCV000668578.1), dbSNP rs1577869516, ClinGen allele CA349461611.